The following is an entry in ClinVar:

ClinVar aggregate classification (germline): Uncertain significance (1 of 4 stars; one submission).

Conditions:
Combined immunodeficiency with skin granulomas. Identifiers: Orphanet 157949, MedGen C2673536, MONDO:0009306, OMIM 233650.
Severe combined immunodeficiency, autosomal recessive, T cell-negative, B cell-negative, NK cell-positive. Also called: SCID, T CELL-NEGATIVE, B CELL-NEGATIVE, NK CELL-POSITIVE; Severe combined immunodeficiency due to complete RAG1/2 deficiency; SCID, AR, T-cell negative, B-cell negative, NK cell-positive. Identifiers: Orphanet 331206, MedGen C1832322, MONDO:0011086, OMIM 601457.

Allele frequency attached by ClinVar (database versions not stated): gnomAD 0.00001; ExAC 0.00002; gnomAD exomes 0.00002.
gnomAD v4.1: 24 of 1,613,978 alleles (0.0015%); highest among the groups gnomAD compares: South Asian, 0.011%; no homozygotes.

Submission:

Labcorp Genetics (formerly Invitae), Labcorp
Classification: Uncertain significance for Combined immunodeficiency with skin granulomas; Severe combined immunodeficiency, autosomal recessive, T cell-negative, B cell-negative, NK cell-positive. Last evaluated: 2022-07-19. Review status: criteria provided, single submitter. Criteria: Invitae Variant Classification Sherloc (09022015). Collection method: clinical testing. Allele origin: germline.
Comment: This sequence change replaces aspartic acid, which is acidic and polar, with asparagine, which is neutral and polar, at codon 93 of the RAG1 protein (p.Asp93Asn). This variant is present in population databases (rs751291400, gnomAD 0.01%). This variant has not been reported in the literature in individuals affected with RAG1-related conditions. ClinVar contains an entry for this variant (Variation ID: 1493518). Advanced modeling of protein sequence and biophysical properties (such as structural, functional, and spatial information, amino acid conservation, physicochemical variation, residue mobility, and thermodynamic stability) performed at Invitae indicates that this missense variant is not expected to disrupt RAG1 protein function. In summary, the available evidence is currently insufficient to determine the role of this variant in disease. Therefore, it has been classified as a Variant of Uncertain Significance.

NM_000448.3(RAG1):c.277G>A (p.Asp93Asn)

Gene: RAG1 (recombination activating 1; plus strand). Cytogenetic location: 11p12.
Variant type: single nucleotide variant.
Coding change: c.277G>A on transcript NM_000448.3 (MANE Select); coding-DNA position 277, G replaced by A.
Protein change: p.Asp93Asn; replaces aspartic acid 93 with asparagine.
Molecular consequence: missense variant.
Genome position (GRCh38, 1-based): chr11:36,573,581, G>A. VCF-style: chr11-36573581-G-A. GRCh37 (hg19) VCF-style: chr11-36595131-G-A.
Other names: c.277G>A, p.Asp93Asn (NM_001377277.1, NM_001377278.1, NM_001377279.1 and 1 more transcripts); short protein forms D93N.
Identifiers: ClinVar variation 1493518 (VCV001493518.3), dbSNP rs751291400, ClinGen allele CA5949942.